The following is an entry in ClinVar:

NM_004523.4(KIF11):c.2719A>T (p.Thr907Ser)

Gene: KIF11 (kinesin family member 11; plus strand). Cytogenetic location: 10q23.33.
Variant type: single nucleotide variant.
Coding change: c.2719A>T on transcript NM_004523.4 (MANE Select); coding-DNA position 2719, A replaced by T.
Protein change: p.Thr907Ser; replaces threonine 907 with serine.
Molecular consequence: missense variant.
Genome position (GRCh38, 1-based): chr10:92,648,383, A>T. VCF-style: chr10-92648383-A-T. GRCh37 (hg19) VCF-style: chr10-94408140-A-T.
Other names: c.2719A>T (NM_004523.3); short protein forms T907S.
Identifiers: ClinVar variation 1060193 (VCV001060193.10), dbSNP rs200944220, ClinGen allele CA5604446.

ClinVar aggregate classification (germline): Conflicting classifications of pathogenicity. Review status: criteria provided, conflicting classifications (1 of 4 stars). 4 submissions from 4 submitters: Uncertain significance (1); Likely benign (3). Last evaluated 2026-09-01.

Conditions:
KIF11-related disorder. Also called: KIF11-related condition.
Inborn genetic diseases. Identifiers: MedGen C0950123, MeSH D030342.

Allele frequency attached by ClinVar (database versions not stated): ESP Exome Variant Server 0.00008; ExAC 0.00010; gnomAD 0.00010 and 0.00011; gnomAD exomes 0.00012; TOPMed 0.00014; 1000 Genomes Project 30x 0.00016; 1000 Genomes Project 0.00020.
gnomAD v4.1: 280 of 1,612,886 alleles (0.017%); highest among the groups gnomAD compares: Admixed American, 0.022%; no homozygotes.

Submissions (4):

PreventionGenetics, part of Exact Sciences
Classification: Uncertain significance for KIF11-related condition. Last evaluated: 2026-09-01. Review status: criteria provided, single submitter. Criteria: ACMG Guidelines, 2015. Collection method: clinical testing. Allele origin: germline.
Comment: The KIF11 c.2719A>T variant is predicted to result in the amino acid substitution p.Thr907Ser. To our knowledge, this variant has not been reported in the literature. This variant is reported in 0.021% of alleles in individuals of European (Non-Finnish) descent in gnomAD, which may be too frequent to be a primary cause of disease. Although we suspect that this variant may be benign, at this time, the clinical significance of this variant is uncertain due to the absence of conclusive functional and genetic evidence.

Labcorp Genetics (formerly Invitae), Labcorp
Classification: Likely benign. Last evaluated: 2025-10-22. Review status: criteria provided, single submitter. Criteria: Invitae Variant Classification Sherloc (09022015). Collection method: clinical testing. Allele origin: germline.

Blueprint Genetics
Classification: Likely benign. Last evaluated: 2024-10-28. Review status: criteria provided, single submitter. Criteria: ACMG Guidelines, 2015. Collection method: clinical testing. Allele origin: germline.

Ambry Genetics
Classification: Likely benign for Inborn genetic diseases. Last evaluated: 2024-07-02. Review status: criteria provided, single submitter. Criteria: Ambry Variant Classification Scheme 2023. Collection method: clinical testing. Allele origin: germline.